The following is an entry in ClinVar:

ClinVar aggregate classification (germline): Uncertain significance (1 of 4 stars; one submission).

Conditions:
DNA ligase IV deficiency. Identifiers: Orphanet 99812, MedGen C1847827, MONDO:0011686, OMIM 606593.

Submission:

Labcorp Genetics (formerly Invitae), Labcorp
Classification: Uncertain significance for DNA ligase IV deficiency. Last evaluated: 2022-11-15. Review status: criteria provided, single submitter. Criteria: Invitae Variant Classification Sherloc (09022015). Collection method: clinical testing. Allele origin: germline.
Comment: In summary, the available evidence is currently insufficient to determine the role of this variant in disease. Therefore, it has been classified as a Variant of Uncertain Significance. Advanced modeling of protein sequence and biophysical properties (such as structural, functional, and spatial information, amino acid conservation, physicochemical variation, residue mobility, and thermodynamic stability) performed at Invitae indicates that this missense variant is not expected to disrupt LIG4 protein function. ClinVar contains an entry for this variant (Variation ID: 1011468). This variant has not been reported in the literature in individuals affected with LIG4-related conditions. This variant is not present in population databases (gnomAD no frequency). This sequence change replaces aspartic acid, which is acidic and polar, with glutamic acid, which is acidic and polar, at codon 586 of the LIG4 protein (p.Asp586Glu).

NM_206937.2(LIG4):c.1758T>A (p.Asp586Glu)

Gene: LIG4 (DNA ligase 4; minus strand). Cytogenetic location: 13q33.3.
Variant type: single nucleotide variant.
Coding change: c.1758T>A on transcript NM_206937.2 (MANE Select); coding-DNA position 1758, T replaced by A.
Protein change: p.Asp586Glu; replaces aspartic acid 586 with glutamic acid.
Molecular consequence: missense variant.
Genome position (GRCh38, 1-based): chr13:108,209,511, A>T on the plus strand (T>A on the coding strand, the complement: LIG4 is on the minus strand). VCF-style: chr13-108209511-A-T. GRCh37 (hg19) VCF-style: chr13-108861859-A-T.
Other names: c.1758T>A, p.Asp586Glu (NM_001098268.2, NM_001352598.2, NM_001352599.2 and 6 more transcripts); c.1557T>A, p.Asp519Glu (NM_001330595.2); c.1794T>A, p.Asp598Glu (NM_001352604.2); short protein forms D519E, D586E, D598E.
Identifiers: ClinVar variation 1011468 (VCV001011468.9), dbSNP rs1878354937, ClinGen allele CA388616189.
Genomic context (GRCh38, chr13:108,209,511, plus strand): 5'-TGCCTTCCCCCTAAGTTGTTCTAGGTCGTCCAGGGTCATGCACTCATGCCACTCCTTGTC[A>T]TCTCTTATCTTTTCAATTCGTGGAAAACGCAAGGTGCAGCCAGTTTTATACATATCACTG-3'
Protein context (NP_996820.1, residues 576-596): LRFPRIEKIR[Asp586Glu]DKEWHECMTL